The following is an entry in ClinVar:

ClinVar aggregate classification (germline): Likely benign (0 of 4 stars; one submission).

Conditions:
DMBT1-related disorder. Also called: DMBT1-related condition.

Allele frequency attached by ClinVar (database versions not stated): 1000 Genomes Project 30x 0.00031; 1000 Genomes Project 0.00040; ESP Exome Variant Server 0.00105; TOPMed 0.00120; gnomAD 0.00157; ExAC 0.00160; gnomAD exomes 0.00199.
gnomAD v4.1: 3,118 of 1,614,034 alleles (0.19%); highest among the groups gnomAD compares: Non-Finnish European, 0.21%; 7 homozygotes.

Submission:

PreventionGenetics, part of Exact Sciences
Classification: Likely benign for DMBT1-related condition. Last evaluated: 2022-02-23. Review status: no assertion criteria provided. Collection method: clinical testing. Allele origin: germline.
Comment: This variant is classified as likely benign based on ACMG/AMP sequence variant interpretation guidelines (Richards et al. 2015 PMID: 25741868, with internal and published modifications).

NM_001377530.1(DMBT1):c.7201C>T (p.Arg2401Cys)

Genes: DMBT1 (deleted in malignant brain tumors 1; plus strand), LOC126861068 (BRD4-independent group 4 enhancer GRCh37_chr10:124398858-124400057; plus strand). Cytogenetic location: 10q26.13.
Variant type: single nucleotide variant.
Coding change: c.7201C>T on transcript NM_001377530.1 (MANE Select); coding-DNA position 7201, C replaced by T.
Protein change: p.Arg2401Cys; replaces arginine 2401 with cysteine.
Molecular consequence: missense variant.
Genome position (GRCh38, 1-based): chr10:122,640,298, C>T. VCF-style: chr10-122640298-C-T. GRCh37 (hg19) VCF-style: chr10-124399814-C-T.
Other names: c.6811C>T, p.Arg2271Cys (NM_001320644.2); c.4930C>T, p.Arg1644Cys (NM_004406.3); c.6814C>T, p.Arg2272Cys (NM_007329.3); c.6784C>T, p.Arg2262Cys (NM_017579.3); short protein forms R1644C, R2262C, R2271C, R2272C, R2401C.
Identifiers: ClinVar variation 3039562 (VCV003039562.2), dbSNP rs200589297, ClinGen allele CA5728466.